The following is an entry in ClinVar:

ClinVar aggregate classification (germline): Uncertain significance (1 of 4 stars; one submission).

gnomAD v4.1: 1 of 1,613,364 alleles (0.000062%); highest among the groups gnomAD compares: African/African-American, 0.0013%; no homozygotes.

Submission:

Ambry Genetics
Classification: Uncertain significance. Last evaluated: 2025-08-12. Review status: criteria provided, single submitter. Criteria: Ambry Variant Classification Scheme 2023. Collection method: clinical testing. Allele origin: germline.
Comment: The p.F596C variant (also known as c.1787T>G), located in coding exon 1 of the MLH3 gene, results from a T to G substitution at nucleotide position 1787. The phenylalanine at codon 596 is replaced by cysteine, an amino acid with highly dissimilar properties. This amino acid position is conserved. In addition, the in silico prediction for this alteration is inconclusive. Based on the available evidence, the clinical significance of this variant remains unclear.

NM_001040108.2(MLH3):c.1787T>G (p.Phe596Cys)

Gene: MLH3 (mutL homolog 3; minus strand). Cytogenetic location: 14q24.3.
Variant type: single nucleotide variant.
Coding change: c.1787T>G on transcript NM_001040108.2 (MANE Select); coding-DNA position 1787, T replaced by G.
Protein change: p.Phe596Cys; replaces phenylalanine 596 with cysteine.
Molecular consequence: missense variant.
Genome position (GRCh38, 1-based): chr14:75,047,869, A>C on the plus strand (T>G on the coding strand, the complement: MLH3 is on the minus strand). VCF-style: chr14-75047869-A-C. GRCh37 (hg19) VCF-style: chr14-75514572-A-C.
Other names: c.1787T>G, p.Phe596Cys (NM_014381.3); short protein forms F596C.
Identifiers: ClinVar variation 4108591 (VCV004108591.1).